The following is an entry in ClinVar:

ClinVar aggregate classification (germline): Pathogenic (1 of 4 stars; one submission).

Submission:

Labcorp Genetics (formerly Invitae), Labcorp
Classification: Pathogenic. Last evaluated: 2024-08-14. Review status: criteria provided, single submitter. Criteria: Invitae Variant Classification Sherloc (09022015). Collection method: clinical testing. Allele origin: germline.
Comment: This sequence change creates a premature translational stop signal (p.Gly445Argfs*30) in the TCF3 gene. It is expected to result in an absent or disrupted protein product. Loss-of-function variants in TCF3 are known to be pathogenic (PMID: 24216514, 30063982, 37277074). This variant is not present in population databases (gnomAD no frequency). This variant has not been reported in the literature in individuals affected with TCF3-related conditions. ClinVar contains an entry for this variant (Variation ID: 1405740). For these reasons, this variant has been classified as Pathogenic.

Literature cited by the submitters: PubMed 24216514; PubMed 30063982; PubMed 37277074.

NM_003200.5(TCF3):c.1331dup (p.Gly445fs)

Gene: TCF3 (transcription factor 3; minus strand). Cytogenetic location: 19p13.3.
Variant type: Duplication.
Coding change: c.1331dup on transcript NM_003200.5 (MANE Select); coding-DNA position 1331, one base duplicated (G; older notation c.1331dupG).
Protein change: p.Gly445fs; shifts the reading frame from glycine 445.
Molecular consequence: frameshift variant.
Genome position (GRCh38, 1-based): chr19:1,619,230, C duplicated on the plus strand (G on the coding strand, the reverse complement: TCF3 is on the minus strand); the first of 2 consecutive C bases (chr19:1,619,230-1,619,231); duplicating either gives the same sequence. VCF-style (leftmost placement, unchanged base first): chr19-1619229-T-TC. GRCh37 (hg19) VCF-style: chr19-1619228-T-TC.
Other names: c.1331dup, p.Gly445fs (NM_001136139.4, NM_001351779.2); c.1328dup, p.Gly444fs (NM_001351778.2); short protein forms G444fs, G445fs.
Identifiers: ClinVar variation 1405740 (VCV001405740.6), dbSNP rs2145991929, ClinGen allele CA2573155860.